The following is an entry in ClinVar:

ClinVar aggregate classification (germline): Uncertain significance (1 of 4 stars; one submission).

Conditions:
Hereditary hyperekplexia. Identifiers: Orphanet 3197, MedGen C4084968, MONDO:0021022.

Allele frequency attached by ClinVar (database versions not stated): gnomAD exomes below 0.00001.
gnomAD v4.1: 2 of 1,614,122 alleles (0.00012%); highest among the groups gnomAD compares: Non-Finnish European, 0.00017%; no homozygotes.

Submission:

Labcorp Genetics (formerly Invitae), Labcorp
Classification: Uncertain significance for Hereditary hyperekplexia. Last evaluated: 2024-06-26. Review status: criteria provided, single submitter. Criteria: Invitae Variant Classification Sherloc (09022015). Collection method: clinical testing. Allele origin: germline.
Comment: This sequence change replaces methionine, which is neutral and non-polar, with isoleucine, which is neutral and non-polar, at codon 404 of the GLRA1 protein (p.Met404Ile). This variant is present in population databases (no rsID available, gnomAD 0.0009%). This variant has not been reported in the literature in individuals affected with GLRA1-related conditions. ClinVar contains an entry for this variant (Variation ID: 1720637). Advanced modeling of protein sequence and biophysical properties (such as structural, functional, and spatial information, amino acid conservation, physicochemical variation, residue mobility, and thermodynamic stability) performed at Invitae indicates that this missense variant is not expected to disrupt GLRA1 protein function with a negative predictive value of 95%. In summary, the available evidence is currently insufficient to determine the role of this variant in disease. Therefore, it has been classified as a Variant of Uncertain Significance.

NM_000171.4(GLRA1):c.1212G>A (p.Met404Ile)

Gene: GLRA1 (glycine receptor alpha 1; minus strand). Cytogenetic location: 5q33.1.
Variant type: single nucleotide variant.
Coding change: c.1212G>A on transcript NM_000171.4 (MANE Select); coding-DNA position 1212, G replaced by A.
Protein change: p.Met404Ile; replaces methionine 404 with isoleucine.
Molecular consequence: missense variant.
Genome position (GRCh38, 1-based): chr5:151,822,811, C>T on the plus strand (G>A on the coding strand, the complement: GLRA1 is on the minus strand). VCF-style: chr5-151822811-C-T. GRCh37 (hg19) VCF-style: chr5-151202372-C-T.
Other names: c.1236G>A, p.Met412Ile (NM_001146040.2); c.963G>A, p.Met321Ile (NM_001292000.2); short protein forms M321I, M404I, M412I.
Identifiers: ClinVar variation 1720637 (VCV001720637.5), dbSNP rs1220060322, ClinGen allele CA361849914.
Genomic context (GRCh38, chr5:151,822,811, plus strand): 5'-GGGGAAGCCAATGCGGGATATTTTGTCGATCTTCTTGGCCCTCTGGATGAAGAGTTTTCG[C>T]ATCTCCTCTGGGGACTTAGATGGTGCAGGAGGGGGGTTGGTGGTGTTACTGTTGTTGGCG-3'
Protein context (NP_000162.2, residues 394-414): PPAPSKSPEE[Met404Ile]RKLFIQRAKK